The following is an entry in ClinVar:

ClinVar aggregate classification (germline): Conflicting classifications of pathogenicity. Review status: criteria provided, conflicting classifications (1 of 4 stars). 2 submissions from 2 submitters: Uncertain significance (1); Likely benign (1). Last evaluated 2025-10-16.

Allele frequency attached by ClinVar (database versions not stated): ESP Exome Variant Server 0.00008; TOPMed 0.00008; gnomAD 0.00009; ExAC 0.00012; gnomAD exomes 0.00020.
gnomAD v4.1: 340 of 1,613,956 alleles (0.021%); highest among the groups gnomAD compares: South Asian, 0.031%; no homozygotes.

Submissions (2):

Labcorp Genetics (formerly Invitae), Labcorp
Classification: Uncertain significance. Last evaluated: 2025-10-16. Review status: criteria provided, single submitter. Criteria: Invitae Variant Classification Sherloc (09022015). Collection method: clinical testing. Allele origin: germline.
Comment: This sequence change replaces threonine, which is neutral and polar, with methionine, which is neutral and non-polar, at codon 113 of the PTHLH protein (p.Thr113Met). This variant is present in population databases (rs141989276, gnomAD 0.02%). This variant has not been reported in the literature in individuals affected with PTHLH-related conditions. ClinVar contains an entry for this variant (Variation ID: 2167840). An algorithm developed to predict the effect of missense changes on protein structure and function (PolyPhen-2) suggests that this variant is likely to be tolerated. In summary, the available evidence is currently insufficient to determine the role of this variant in disease. Therefore, it has been classified as a Variant of Uncertain Significance.

Blueprint Genetics
Classification: Likely benign. Last evaluated: 2024-11-07. Review status: criteria provided, single submitter. Criteria: ACMG Guidelines, 2015. Collection method: clinical testing. Allele origin: germline.

NM_198965.2(PTHLH):c.338C>T (p.Thr113Met)

Gene: PTHLH (parathyroid hormone like hormone; minus strand). Cytogenetic location: 12p11.22.
Variant type: single nucleotide variant.
Coding change: c.338C>T on transcript NM_198965.2 (MANE Select); coding-DNA position 338, C replaced by T.
Protein change: p.Thr113Met; replaces threonine 113 with methionine.
Molecular consequence: missense variant.
Genome position (GRCh38, 1-based): chr12:27,963,534, G>A on the plus strand (C>T on the coding strand, the complement: PTHLH is on the minus strand). VCF-style: chr12-27963534-G-A. GRCh37 (hg19) VCF-style: chr12-28116467-G-A.
Other names: c.338C>T, p.Thr113Met (NM_002820.3, NM_198964.2, NM_198966.2); short protein forms T113M.
Identifiers: ClinVar variation 2167840 (VCV002167840.5), dbSNP rs141989276, ClinGen allele CA6494921.